The following is an entry in ClinVar:

ClinVar aggregate classification (germline): Likely benign. Review status: criteria provided, single submitter (1 of 4 stars). 2 submissions from 2 submitters: Likely benign (1). 1 of the submissions does not count toward it. Last evaluated 2018-07-29.

Conditions:
SUMF2-related disorder. Also called: SUMF2-related condition.

Allele frequency attached by ClinVar (database versions not stated): gnomAD exomes 0.00010 and 0.00054; ExAC 0.00018; gnomAD 0.00019 and 0.00027; TOPMed 0.00031; 1000 Genomes Project 30x 0.00219; 1000 Genomes Project 0.00220.
gnomAD v4.1: 186 of 1,552,350 alleles (0.012%); highest among the groups gnomAD compares: East Asian, 0.4%; no homozygotes.

Submissions (2):

Labcorp Genetics (formerly Invitae), Labcorp
Classification: Likely benign. Last evaluated: 2018-07-29. Review status: criteria provided, single submitter. Criteria: Invitae Variant Classification Sherloc (09022015). Collection method: clinical testing. Allele origin: germline.

PreventionGenetics, part of Exact Sciences
Classification: Likely benign for SUMF2-related condition. Last evaluated: 2023-02-21. Review status: no assertion criteria provided. Collection method: clinical testing. Allele origin: germline. Not counted in ClinVar's aggregate classification.
Comment: This variant is classified as likely benign based on ACMG/AMP sequence variant interpretation guidelines (Richards et al. 2015 PMID: 25741868, with internal and published modifications).

NM_015411.4(SUMF2):c.*205T>A

Gene: SUMF2 (sulfatase modifying factor 2; plus strand). Cytogenetic location: 7p11.2.
Variant type: single nucleotide variant.
Coding change: c.*205T>A on transcript NM_015411.4 (MANE Select); 205 bases downstream of the stop codon, T replaced by A.
Molecular consequence: 3 prime UTR variant. On other transcripts: nonsense (2).
Genome position (GRCh38, 1-based): chr7:56,079,817, T>A. VCF-style: chr7-56079817-T-A. GRCh37 (hg19) VCF-style: chr7-56147510-T-A.
Other names: c.*205T>A (NM_001042468.3, NM_001042469.3, NM_001042470.3 and 1 more transcripts); c.966T>A, p.Cys322Ter (NM_001130069.4); c.*170T>A (NM_001366647.2, NM_001366648.2); c.462T>A, p.Cys154Ter (NM_001366649.2); short protein forms C154*, C322*.
Identifiers: ClinVar variation 773738 (VCV000773738.5), dbSNP rs183275935, ClinGen allele CA4269917.